The following is an entry in ClinVar:

NM_001365536.1(SCN9A):c.5963A>G (p.Lys1988Arg)

Genes: SCN1A-AS1 (SCN1A and SCN9A antisense RNA 1; plus strand), SCN9A (sodium voltage-gated channel alpha subunit 9; minus strand). Cytogenetic location: 2q24.3.
Variant type: single nucleotide variant.
Coding change: c.5963A>G on transcript NM_001365536.1 (MANE Select); coding-DNA position 5963, A replaced by G.
Protein change: p.Lys1988Arg; replaces lysine 1988 with arginine.
Molecular consequence: missense variant.
Genome position (GRCh38, 1-based): chr2:166,198,676, T>C on the plus strand (A>G on the coding strand, the complement: SCN9A is on the minus strand). VCF-style: chr2-166198676-T-C. GRCh37 (hg19) VCF-style: chr2-167055186-T-C.
Other names: c.5930A>G, p.Lys1977Arg (NM_002977.4); short protein forms K1988R, K1977R.
Identifiers: ClinVar variation 948613 (VCV000948613.12), dbSNP rs780795130, ClinGen allele CA1943589.

ClinVar aggregate classification (germline): Uncertain significance. Review status: criteria provided, multiple submitters, no conflicts (2 of 4 stars). 4 submissions from 4 submitters: Uncertain significance (4). Last evaluated 2026-02-14.

Conditions:
SCN9A-related disorder. Also called: SCN9A-related disorders; SCN9A-related condition.
Generalized epilepsy with febrile seizures plus, type 7 (GEFSP7). Also called: GEFS+, TYPE 7. Identifiers: Orphanet 36387, MedGen C2751778, MONDO:0013470, OMIM 613863.
Neuropathy, hereditary sensory and autonomic, type 2A (HSAN2A). Also called: MORVAN DISEASE; NEUROPATHY, CONGENITAL SENSORY; NEUROPATHY, HEREDITARY SENSORY RADICULAR, AUTOSOMAL RECESSIVE; NEUROPATHY, HEREDITARY SENSORY, TYPE IIA; NEUROPATHY, PROGRESSIVE SENSORY, OF CHILDREN; ACROOSTEOLYSIS, GIACCAI TYPE. Identifiers: Orphanet 970, MedGen C2752089, MONDO:0024309, OMIM 201300.
Inborn genetic diseases. Identifiers: MedGen C0950123, MeSH D030342.

Allele frequency attached by ClinVar (database versions not stated): gnomAD exomes 0.00001; ExAC 0.00002; gnomAD 0.00003 and 0.00004; TOPMed 0.00004.
gnomAD v4.1: 10 of 1,586,538 alleles (0.00063%); highest among the groups gnomAD compares: African/African-American, 0.014%; no homozygotes.

Submissions (4):

PreventionGenetics, part of Exact Sciences
Classification: Uncertain significance for SCN9A-related condition. Last evaluated: 2026-02-14. Review status: criteria provided, single submitter. Criteria: ACMG Guidelines, 2015. Collection method: clinical testing. Allele origin: germline.
Comment: The SCN9A c.5930A>G variant is predicted to result in the amino acid substitution p.Lys1977Arg. To our knowledge, this variant has not been reported in the literature. This variant is reported in 0.013% of alleles in individuals of African descent in gnomAD. At this time, the clinical significance of this variant is uncertain due to the absence of conclusive functional and genetic evidence.

Dasa
Classification: Uncertain significance. Last evaluated: 2025-11-10. Review status: criteria provided, single submitter. Criteria: DASA Assertion Criteria. Collection method: clinical testing. Allele origin: germline.
Comment: NM_001365536.1(SCN9A):c.5963A>G (p.Lys1988Arg) is a missense variant that results in the substitution of lysine with arginine. This variant is rare in population databases. The currently available literature and clinical evidence are not sufficient to establish a definitive association between this variant and the reported condition. Therefore, this variant is classified as a variant of uncertain significance.

Labcorp Genetics (formerly Invitae), Labcorp
Classification: Uncertain significance for Neuropathy, hereditary sensory and autonomic, type 2A; Generalized epilepsy with febrile seizures plus, type 7. Last evaluated: 2025-02-07. Review status: criteria provided, single submitter. Criteria: Invitae Variant Classification Sherloc (09022015). Collection method: clinical testing. Allele origin: germline.
Comment: This sequence change replaces lysine, which is basic and polar, with arginine, which is basic and polar, at codon 1977 of the SCN9A protein (p.Lys1977Arg). This variant is present in population databases (rs780795130, gnomAD 0.01%). This variant has not been reported in the literature in individuals affected with SCN9A-related conditions. ClinVar contains an entry for this variant (Variation ID: 948613). Invitae Evidence Modeling of protein sequence and biophysical properties (such as structural, functional, and spatial information, amino acid conservation, physicochemical variation, residue mobility, and thermodynamic stability) has been performed for this missense variant. However, the output from this modeling did not meet the statistical confidence thresholds required to predict the impact of this variant on SCN9A protein function. In summary, the available evidence is currently insufficient to determine the role of this variant in disease. Therefore, it has been classified as a Variant of Uncertain Significance.

Ambry Genetics
Classification: Uncertain significance for Inborn genetic diseases. Last evaluated: 2024-01-23. Review status: criteria provided, single submitter. Criteria: Ambry Variant Classification Scheme 2023. Collection method: clinical testing. Allele origin: germline.